The following is an entry in ClinVar:

ClinVar aggregate classification (germline): Uncertain significance (1 of 4 stars; one submission).

Conditions:
Compton-North congenital myopathy (CMYO12). Identifiers: Orphanet 210163, MedGen C2675527, MONDO:0012929, OMIM 612540.

Allele frequency attached by ClinVar (database versions not stated): TOPMed below 0.00001; ExAC 0.00001; gnomAD exomes 0.00001.

Submission:

Labcorp Genetics (formerly Invitae), Labcorp
Classification: Uncertain significance for Compton-North congenital myopathy. Last evaluated: 2022-08-29. Review status: criteria provided, single submitter. Criteria: Invitae Variant Classification Sherloc (09022015). Collection method: clinical testing. Allele origin: germline.
Comment: In summary, the available evidence is currently insufficient to determine the role of this variant in disease. Therefore, it has been classified as a Variant of Uncertain Significance. Advanced modeling of protein sequence and biophysical properties (such as structural, functional, and spatial information, amino acid conservation, physicochemical variation, residue mobility, and thermodynamic stability) performed at Invitae indicates that this missense variant is not expected to disrupt CNTN1 protein function. This variant has not been reported in the literature in individuals affected with CNTN1-related conditions. This variant is present in population databases (rs765752838, gnomAD 0.003%). This sequence change replaces proline, which is neutral and non-polar, with alanine, which is neutral and non-polar, at codon 137 of the CNTN1 protein (p.Pro137Ala).

NM_001843.4(CNTN1):c.409C>G (p.Pro137Ala)

Gene: CNTN1 (contactin 1; plus strand). Cytogenetic location: 12q12.
Variant type: single nucleotide variant.
Coding change: c.409C>G on transcript NM_001843.4 (MANE Select); coding-DNA position 409, C replaced by G.
Protein change: p.Pro137Ala; replaces proline 137 with alanine.
Molecular consequence: missense variant.
Genome position (GRCh38, 1-based): chr12:40,924,565, C>G. VCF-style: chr12-40924565-C-G. GRCh37 (hg19) VCF-style: chr12-41318367-C-G.
Other names: c.409C>G, p.Pro137Ala (NM_001256063.2, NM_001256064.2); c.376C>G, p.Pro126Ala (NM_175038.2); short protein forms P126A, P137A.
Identifiers: ClinVar variation 2152818 (VCV002152818.4), dbSNP rs765752838, ClinGen allele CA6516610.